The following is an entry in ClinVar:

ClinVar aggregate classification (germline): Uncertain significance. Review status: criteria provided, multiple submitters, no conflicts (2 of 4 stars). 3 submissions from 3 submitters: Uncertain significance (3). Last evaluated 2025-10-22.

Conditions:
Inborn genetic diseases. Identifiers: MedGen C0950123, MeSH D030342.

gnomAD v4.1: 14 of 1,613,882 alleles (0.00087%); highest among the groups gnomAD compares: Non-Finnish European, 0.0012%; no homozygotes.

Submissions (3):

Ambry Genetics
Classification: Uncertain significance for Inborn genetic diseases. Last evaluated: 2025-10-22. Review status: criteria provided, single submitter. Criteria: Ambry Variant Classification Scheme 2023. Collection method: clinical testing. Allele origin: germline.

CeGaT Center for Human Genetics Tuebingen
Classification: Uncertain significance. Last evaluated: 2024-06-01. Review status: criteria provided, single submitter. Criteria: CeGaT Center For Human Genetics Tuebingen Variant Classification Criteria Version 2. Collection method: clinical testing. Allele origin: germline. Affected: yes. Observed: 1 variant allele.
Comment: NOTCH3: PM2, BP4

GeneDx
Classification: Uncertain significance. Last evaluated: 2021-12-11. Review status: criteria provided, single submitter. Criteria: GeneDx Variant Classification Process June 2021. Collection method: clinical testing. Allele origin: germline. Affected: yes.
Comment: Not observed at significant frequency in large population cohorts (gnomAD); In silico analysis supports that this missense variant does not alter protein structure/function; Has not been previously published as pathogenic or benign to our knowledge

NM_000435.3(NOTCH3):c.2464C>T (p.Pro822Ser)

Gene: NOTCH3 (notch receptor 3; minus strand). Cytogenetic location: 19p13.12.
Variant type: single nucleotide variant.
Coding change: c.2464C>T on transcript NM_000435.3 (MANE Select); coding-DNA position 2464, C replaced by T.
Protein change: p.Pro822Ser; replaces proline 822 with serine.
Molecular consequence: missense variant.
Genome position (GRCh38, 1-based): chr19:15,184,397, G>A on the plus strand (C>T on the coding strand, the complement: NOTCH3 is on the minus strand). VCF-style: chr19-15184397-G-A. GRCh37 (hg19) VCF-style: chr19-15295208-G-A.
Other names: short protein forms P822S.
Identifiers: ClinVar variation 1691644 (VCV001691644.21), dbSNP rs1469970917, ClinGen allele CA404519754.